The following is an entry in ClinVar:

NM_000057.4(BLM):c.3019+6C>G

Gene: BLM (BLM RecQ like helicase; plus strand). Cytogenetic location: 15q26.1.
Variant type: single nucleotide variant.
Coding change: c.3019+6C>G on transcript NM_000057.4 (MANE Select); 6 bases into the intron after coding-DNA position 3019, C replaced by G.
Molecular consequence: intron variant.
Genome position (GRCh38, 1-based): chr15:90,790,850, C>G. VCF-style: chr15-90790850-C-G. GRCh37 (hg19) VCF-style: chr15-91334080-C-G.
Other names: c.3019+6C>G (NM_001287246.2, NM_001287247.2); c.1894+6C>G (NM_001287248.2).
Identifiers: ClinVar variation 1011333 (VCV001011333.4), dbSNP rs773494621, ClinGen allele CA7738909.
Genomic context (GRCh38, chr15:90,790,850, plus strand): 5'-TGCCTGCTTTTCTATACCTATCATGATGTGACCAGACTGAAAAGACTTATAATGAGTAAG[C>G]TGGGCTCCATTGTAGAGACATTCTGTCATCTTCAGCCTCATGATAGTAGTCTACTCCTGC-3'

ClinVar aggregate classification (germline): Uncertain significance (1 of 4 stars; one submission).

Conditions:
Bloom syndrome (BLM). Also called: Bloom-Torre-Machacek syndrome. Identifiers: Orphanet 125, MedGen C0005859, MONDO:0008876, OMIM 210900.

Allele frequency attached by ClinVar (database versions not stated): gnomAD exomes below 0.00001 and 0.00001; gnomAD 0.00001; ExAC 0.00002.
gnomAD v4.1: 5 of 1,611,008 alleles (0.00031%); highest among the groups gnomAD compares: Non-Finnish European, 0.00042%; no homozygotes.

Submission:

Labcorp Genetics (formerly Invitae), Labcorp
Classification: Uncertain significance for Bloom syndrome. Last evaluated: 2021-06-03. Review status: criteria provided, single submitter. Criteria: Invitae Variant Classification Sherloc (09022015). Collection method: clinical testing. Allele origin: germline.
Comment: This sequence change falls in intron 15 of the BLM gene. It does not directly change the encoded amino acid sequence of the BLM protein, but it affects a nucleotide within the consensus splice site of the intron. This variant is present in population databases (rs773494621, ExAC 0.003%). This variant has not been reported in the literature in individuals with BLM-related conditions. Nucleotide substitutions within the consensus splice site are a relatively common cause of aberrant splicing (PMID: 17576681, 9536098). Algorithms developed to predict the effect of sequence changes on RNA splicing suggest that this variant may create or strengthen a splice site, but this prediction has not been confirmed by published transcriptional studies. In summary, the available evidence is currently insufficient to determine the role of this variant in disease. Therefore, it has been classified as a Variant of Uncertain Significance.

Literature cited by the submitters: PubMed 17576681; PubMed 9536098.